The following is an entry in ClinVar:

NM_015488.5(PNKD):c.97G>T (p.Ala33Ser)

Gene: PNKD (PNKD metallo-beta-lactamase domain containing; plus strand). Cytogenetic location: 2q35.
Variant type: single nucleotide variant.
Coding change: c.97G>T on transcript NM_015488.5 (MANE Select); coding-DNA position 97, G replaced by T.
Protein change: p.Ala33Ser; replaces alanine 33 with serine.
Molecular consequence: missense variant.
Genome position (GRCh38, 1-based): chr2:218,271,410, G>T. VCF-style: chr2-218271410-G-T. GRCh37 (hg19) VCF-style: chr2-219136133-G-T.
Other names: c.97G>T, p.Ala33Ser (NM_001077399.3); short protein forms A33S.
Identifiers: ClinVar variation 1477566 (VCV001477566.8), dbSNP rs121434513, ClinGen allele CA2103249.

ClinVar aggregate classification (germline): Uncertain significance (1 of 4 stars; one submission).

Conditions:
Paroxysmal nonkinesigenic dyskinesia. Also called: Paroxysmal non-kinesigenic dyskinesia. Identifiers: Orphanet 98810, MedGen C1869117, MONDO:0700088.

Submission:

Labcorp Genetics (formerly Invitae), Labcorp
Classification: Uncertain significance for Paroxysmal nonkinesigenic dyskinesia. Last evaluated: 2021-02-19. Review status: criteria provided, single submitter. Criteria: Invitae Variant Classification Sherloc (09022015). Collection method: clinical testing. Allele origin: germline.
Comment: In summary, the available evidence is currently insufficient to determine the role of this variant in disease. Therefore, it has been classified as a Variant of Uncertain Significance. Algorithms developed to predict the effect of missense changes on protein structure and function are either unavailable or do not agree on the potential impact of this missense change (SIFT: "Deleterious"; PolyPhen-2: "Benign"; Align-GVGD: "Class C0"). This variant has not been reported in the literature in individuals with PNKD-related conditions. This variant is present in population databases (rs121434513, ExAC 0.01%). This sequence change replaces alanine with serine at codon 33 of the PNKD protein (p.Ala33Ser). The alanine residue is moderately conserved and there is a moderate physicochemical difference between alanine and serine.